The following is an entry in ClinVar:

NM_031220.4(PITPNM3):c.2637CGC[3] (p.Ala881_His882insAla)

Gene: PITPNM3 (PITPNM family member 3; minus strand). Cytogenetic location: 17p13.2.
Variant type: Microsatellite.
Coding change: c.2637CGC[3] on transcript NM_031220.4 (MANE Select); three copies in a row of the 3-base unit CGC starting at c.2637; the reference has two copies in a row; one copy, 3 bases duplicated.
Protein change: p.Ala881_His882insAla.
Molecular consequence: inframe insertion.
Genome position (GRCh38, 1-based): chr17:6,455,621-6,455,623, GCG duplicated on the plus strand (CGC on the coding strand, the reverse complement: PITPNM3 is on the minus strand); duplicating any 3 consecutive bases within chr17:6,455,621-6,455,626 gives the same sequence; the position shown is the placement nearest the transcript's 3' end. VCF-style (leftmost placement, unchanged base first): chr17-6455620-T-TGCG. GRCh37 (hg19) VCF-style: chr17-6358940-T-TGCG.
Other names: c.2529CGC[3], p.Ala845_His846insAla (NM_001165966.2).
Identifiers: ClinVar variation 2866672 (VCV002866672.3), dbSNP rs1436379365, ClinGen allele CA981101895.

ClinVar aggregate classification (germline): Uncertain significance (1 of 4 stars; one submission).

Submission:

Labcorp Genetics (formerly Invitae), Labcorp
Classification: Uncertain significance. Last evaluated: 2023-05-21. Review status: criteria provided, single submitter. Criteria: Invitae Variant Classification Sherloc (09022015). Collection method: clinical testing. Allele origin: germline.
Comment: This variant has not been reported in the literature in individuals affected with PITPNM3-related conditions. This variant is not present in population databases (gnomAD no frequency). This variant, c.2640_2642dup, results in the insertion of 1 amino acid(s) of the PITPNM3 protein (p.Ala881dup), but otherwise preserves the integrity of the reading frame. In summary, the available evidence is currently insufficient to determine the role of this variant in disease. Therefore, it has been classified as a Variant of Uncertain Significance.